The following is an entry in ClinVar:

ClinVar aggregate classification (germline): Uncertain significance. Review status: criteria provided, multiple submitters, no conflicts (2 of 4 stars). 2 submissions from 2 submitters: Uncertain significance (2). Last evaluated 2025-06-10.

Conditions:
Inborn genetic diseases. Identifiers: MedGen C0950123, MeSH D030342.

Allele frequency attached by ClinVar (database versions not stated): gnomAD 0.00003; TOPMed 0.00003; gnomAD exomes 0.00005; ExAC 0.00008.
gnomAD v4.1: 84 of 1,613,978 alleles (0.0052%); highest among the groups gnomAD compares: South Asian, 0.035%; no homozygotes.

Submissions (2):

Labcorp Genetics (formerly Invitae), Labcorp
Classification: Uncertain significance. Last evaluated: 2025-06-10. Review status: criteria provided, single submitter. Criteria: Invitae Variant Classification Sherloc (09022015). Collection method: clinical testing. Allele origin: germline.
Comment: This sequence change replaces proline, which is neutral and non-polar, with leucine, which is neutral and non-polar, at codon 286 of the PODXL protein (p.Pro286Leu). This variant is present in population databases (rs745919500, gnomAD 0.03%), and has an allele count higher than expected for a pathogenic variant. This variant has not been reported in the literature in individuals affected with PODXL-related conditions. ClinVar contains an entry for this variant (Variation ID: 2385242). An algorithm developed to predict the effect of missense changes on protein structure and function outputs the following: PolyPhen-2: "Benign". The leucine amino acid residue is found in multiple mammalian species, which suggests that this missense change does not adversely affect protein function. In summary, the available evidence is currently insufficient to determine the role of this variant in disease. Therefore, it has been classified as a Variant of Uncertain Significance.

Ambry Genetics
Classification: Uncertain significance for Inborn genetic diseases. Last evaluated: 2021-09-17. Review status: criteria provided, single submitter. Criteria: Ambry Variant Classification Scheme 2023. Collection method: clinical testing. Allele origin: germline.

NM_001018111.3(PODXL):c.953C>T (p.Pro318Leu)

Gene: PODXL (podocalyxin like; minus strand). Cytogenetic location: 7q32.3.
Variant type: single nucleotide variant.
Coding change: c.953C>T on transcript NM_001018111.3 (MANE Select); coding-DNA position 953, C replaced by T.
Protein change: p.Pro318Leu; replaces proline 318 with leucine.
Molecular consequence: missense variant.
Genome position (GRCh38, 1-based): chr7:131,509,435, G>A on the plus strand (C>T on the coding strand, the complement: PODXL is on the minus strand). VCF-style: chr7-131509435-G-A. GRCh37 (hg19) VCF-style: chr7-131194194-G-A.
Other names: c.857C>T, p.Pro286Leu (NM_005397.4); short protein forms P318L, P286L.
Identifiers: ClinVar variation 2385242 (VCV002385242.3), dbSNP rs745919500, ClinGen allele CA4488571.